The following is an entry in ClinVar:

ClinVar aggregate classification (germline): Pathogenic/Likely pathogenic. Review status: criteria provided, multiple submitters, no conflicts (2 of 4 stars). 2 submissions from 2 submitters: Pathogenic (1); Likely pathogenic (1). Last evaluated 2025-01-06.

Conditions:
Bethlem myopathy 1A. Also called: MYOPATHY, BENIGN CONGENITAL, WITH CONTRACTURES; Bethlem myopathy 1; Bethlem Muscular Dystrophy. Identifiers: Orphanet 610, MedGen CN029274, MONDO:0024530, OMIM 158810.

Submissions (2):

Dasa
Classification: Likely pathogenic. Last evaluated: 2025-01-06. Review status: criteria provided, single submitter. Criteria: DASA Assertion Criteria. Collection method: clinical testing. Allele origin: germline.
Comment: NM_004369.4(COL6A3):c.2469_2476del (p.Val824Serfs*17) is a frameshift variant in COL6A3 predicted to alter the reading frame and introduce a premature termination codon and is predicted to result in an absent or altered protein product. Loss of function is an established disease mechanism for COL6A3-associated disorders. Also, this variant is absent from population databases. Based on the currently available evidence, this variant is classified as likely pathogenic.

Labcorp Genetics (formerly Invitae), Labcorp
Classification: Pathogenic for Bethlem myopathy 1A. Last evaluated: 2025-01-06. Review status: criteria provided, single submitter. Criteria: Invitae Variant Classification Sherloc (09022015). Collection method: clinical testing. Allele origin: germline.
Comment: This sequence change creates a premature translational stop signal (p.Val824Serfs*17) in the COL6A3 gene. It is expected to result in an absent or disrupted protein product. Loss-of-function variants in COL6A3 are known to be pathogenic (PMID: 26004199). This variant is not present in population databases (gnomAD no frequency). This variant has not been reported in the literature in individuals affected with COL6A3-related conditions. For these reasons, this variant has been classified as Pathogenic.

Literature cited by the submitters: PubMed 26004199 (cited by Labcorp Genetics (formerly Invitae), Labcorp).

NM_004369.4(COL6A3):c.2469_2476del (p.Val824fs)

Gene: COL6A3 (collagen type VI alpha 3 chain; minus strand). Cytogenetic location: 2q37.3.
Variant type: Deletion.
Coding change: c.2469_2476del on transcript NM_004369.4 (MANE Select); coding-DNA positions 2469 to 2476, 8 bases deleted (TGTGGAGG; older notation c.2469_2476delTGTGGAGG).
Protein change: p.Val824fs; shifts the reading frame from valine 824.
Molecular consequence: frameshift variant. On other transcripts: intron variant (1).
Genome position (GRCh38, 1-based): chr2:237,378,657-237,378,664, CCTCCACA deleted on the plus strand (TGTGGAGG on the coding strand, the reverse complement: COL6A3 is on the minus strand); deleting any 8 consecutive bases within chr2:237,378,657-237,378,671 gives the same sequence; the c. name uses the placement nearest the transcript's 3' end. VCF-style (leftmost placement, unchanged base first): chr2-237378656-TCCTCCACA-T. GRCh37 (hg19) VCF-style: chr2-238287299-TCCTCCACA-T.
Other names: c.1248_1255del, p.Val417fs (NM_057164.5); c.1851_1858del, p.Val618fs (NM_057165.5, NM_057167.4); c.677-1320_677-1313del (NM_057166.5); short protein forms V618fs, V824fs, V417fs.
Identifiers: ClinVar variation 3633026 (VCV003633026.4).